The following is an entry in ClinVar:

ClinVar aggregate classification (germline): Uncertain significance (1 of 4 stars; one submission).

Allele frequency attached by ClinVar (database versions not stated): gnomAD exomes 0.00001; TOPMed 0.00001; gnomAD 0.00003.
gnomAD v4.1: 40 of 1,614,008 alleles (0.0025%); highest among the groups gnomAD compares: Non-Finnish European, 0.0033%; no homozygotes.

Submission:

Labcorp Genetics (formerly Invitae), Labcorp
Classification: Uncertain significance. Last evaluated: 2020-07-25. Review status: criteria provided, single submitter. Criteria: Invitae Variant Classification Sherloc (09022015). Collection method: clinical testing. Allele origin: germline.
Comment: The current clinical and genetic evidence is not sufficient to establish whether loss-of-function variants in COMP cause disease. Algorithms developed to predict the effect of sequence changes on RNA splicing suggest that this variant may create or strengthen a splice site, but this prediction has not been confirmed by published transcriptional studies. This variant has not been reported in the literature in individuals with COMP-related conditions. This variant is not present in population databases (ExAC no frequency). This sequence change creates a premature translational stop signal (p.Trp344*) in the COMP gene. It is expected to result in an absent or disrupted protein product. In summary, the available evidence is currently insufficient to determine the role of this variant in disease. Therefore, it has been classified as a Variant of Uncertain Significance.

NM_000095.3(COMP):c.1032G>A (p.Trp344Ter)

Gene: COMP (cartilage oligomeric matrix protein; minus strand). Cytogenetic location: 19p13.11.
Variant type: single nucleotide variant.
Coding change: c.1032G>A on transcript NM_000095.3 (MANE Select); coding-DNA position 1032, G replaced by A.
Protein change: p.Trp344Ter; replaces tryptophan 344 with a stop codon.
Molecular consequence: nonsense.
Genome position (GRCh38, 1-based): chr19:18,787,594, C>T on the plus strand (G>A on the coding strand, the complement: COMP is on the minus strand). VCF-style: chr19-18787594-C-T. GRCh37 (hg19) VCF-style: chr19-18898403-C-T.
Other names: short protein forms W344*.
Identifiers: ClinVar variation 1052705 (VCV001052705.7), dbSNP rs1186145382, ClinGen allele CA404888522.